The following is an entry in ClinVar:

ClinVar aggregate classification (germline): Pathogenic/Likely pathogenic. Review status: criteria provided, multiple submitters, no conflicts (2 of 4 stars). 9 submissions from 8 submitters: Pathogenic (6); Likely pathogenic (3). Last evaluated 2025-12-22.

Conditions:
Thrombocytopenia 2 (THC2). Also called: ANKRD26-Related Thrombocytopenia. Identifiers: Orphanet 268322, MedGen C1861185, MONDO:0008555, OMIM 188000.
Thrombocytopenia. Identifiers: MedGen C0040034, MeSH D013921, MONDO:0002049, HP:0001873.
ANKRD26-related disorder. Also called: ANKRD26-related condition.
Inherited bleeding disorder, platelet-type. Also called: Platelet-type bleeding disorder; Platelet disorder. Identifiers: Orphanet 248326, MedGen C0005818, MeSH D001791, MONDO:0000009.

Allele frequency attached by ClinVar (database versions not stated): gnomAD 0.00001.
gnomAD v4.1: 1 of 1,392,578 alleles (0.000072%); highest among the groups gnomAD compares: African/African-American, 0.0014%; no homozygotes.

Submissions (9):

Labcorp Genetics (formerly Invitae), Labcorp
Classification: Pathogenic. Last evaluated: 2025-12-22. Review status: criteria provided, single submitter. Criteria: Invitae Variant Classification Sherloc (09022015). Collection method: clinical testing. Allele origin: germline.
Comment: This variant occurs in a non-coding region of the ANKRD26 gene. It does not change the encoded amino acid sequence of the ANKRD26 protein. This variant is not present in population databases (gnomAD no frequency). This variant has been observed in individual(s) with thrombocytopenia (PMID: 23677566, 28669401, 31064749, 32581362, 32618208, 33510405, 35796010; internal data). It has also been observed to segregate with disease in related individuals. ClinVar contains an entry for this variant (Variation ID: 626941). For these reasons, this variant has been classified as Pathogenic.

Mayo Clinic Laboratories, Mayo Clinic
Classification: Likely pathogenic. Last evaluated: 2025-03-14. Review status: criteria provided, single submitter. Criteria: ACMG Guidelines, 2015. Collection method: clinical testing. Allele origin: germline. Observed: 2 variant alleles.
Comment: PP1_moderate, PM1, PM2_supporting, PS4_moderate

Center for Genomic Medicine, Rigshospitalet, Copenhagen University Hospital
Classification: Pathogenic. Last evaluated: 2025-03-04. Review status: criteria provided, single submitter. Criteria: ACMG Guidelines, 2015. Collection method: clinical testing. Allele origin: germline.

Blueprint Genetics
Classification: Pathogenic for ANKRD26-related disorders. Last evaluated: 2023-12-29. Review status: criteria provided, single submitter. Criteria: ACMG Guidelines, 2015. Collection method: clinical testing. Allele origin: germline. Affected: yes. Observed: 5 variant alleles.

Godley laboratory, The University of Chicago
Classification: Pathogenic for Thrombocytopenia 2. Last evaluated: 2020-05-23. Review status: criteria provided, single submitter. Criteria: ACMG Guidelines, 2015. Collection method: research. Allele origin: germline. Inheritance: Autosomal dominant inheritance. Affected: yes. Observed: 1 heterozygote.
Comment: The same variant has been previously described in a German family with thrombocytopenia (PMID 23677566). A different base pair change at the same position has been described in two publications from Noris et al (PMID 24030261 and 21467542) in families with THC2.

Center of Genomic medicine, Geneva, University Hospital of Geneva
Classification: Likely pathogenic for Thrombocytopenia 2. Last evaluated: 2019-03-18. Review status: criteria provided, single submitter. Criteria: ACMG Guidelines, 2015. Collection method: clinical testing. Allele origin: germline. Affected: yes. Observed: 2 variant alleles.

NIHR Bioresource Rare Diseases, University of Cambridge
Classification: Pathogenic for Platelet disorder. Last evaluated: 2019-02-01. Review status: criteria provided, single submitter. Criteria: ACMG Guidelines, 2015. Collection method: research. Allele origin: unknown. Affected: yes. Observed: 1 heterozygote. Study: ThromboGenomics.

NIHR Bioresource Rare Diseases, University of Cambridge
Classification: Pathogenic for Thrombocytopenia. Last evaluated: 2019-02-01. Review status: criteria provided, single submitter. Criteria: ACMG Guidelines, 2015. Collection method: research. Allele origin: unknown. Affected: yes. Observed: 1 heterozygote. Study: ThromboGenomics.

Genetic Services Laboratory, University of Chicago
Classification: Likely pathogenic. Last evaluated: 2018-07-12. Review status: criteria provided, single submitter. Criteria: ACMG Guidelines, 2015. Collection method: clinical testing. Allele origin: germline. Affected: yes.
Comment: DNA sequence analysis of the ANKRD26 gene demonstrated a sequence change located in the 5' untranslated region (5'UTR) of ANKRD26, c.-126T>C. This sequence change is absent from the gnomAD database and has been described in a single patient with severe isolated thrombocytopenia (PMID: 23677566). A different nucleotide change at the same nucleotide position (c.-126T>G) has been identified in three affected members of a family with hereditary thrombocytopenia (PMID: 21467542). Multiple other families with autosomal dominant hereditary thrombocytopenia have been identified to have mutations within this region of the 5'UTR (PMIDs: 21211618, 21467542).

Literature cited by the submitters: PubMed 23677566 (cited by Labcorp Genetics (formerly Invitae), Labcorp and Godley laboratory, The University of Chicago); PubMed 28669401 (cited by Labcorp Genetics (formerly Invitae), Labcorp); PubMed 31064749 (cited by 4 submitters); PubMed 32581362 (cited by Labcorp Genetics (formerly Invitae), Labcorp and Mayo Clinic Laboratories, Mayo Clinic); PubMed 32618208 (cited by Labcorp Genetics (formerly Invitae), Labcorp and Mayo Clinic Laboratories, Mayo Clinic); PubMed 33510405 (cited by Labcorp Genetics (formerly Invitae), Labcorp and Mayo Clinic Laboratories, Mayo Clinic); PubMed 35796010 (cited by Labcorp Genetics (formerly Invitae), Labcorp and Mayo Clinic Laboratories, Mayo Clinic); PubMed 32103500 (cited by Mayo Clinic Laboratories, Mayo Clinic and Center for Genomic Medicine, Rigshospitalet, Copenhagen University Hospital); PubMed 35587581 (cited by Center for Genomic Medicine, Rigshospitalet, Copenhagen University Hospital).

NM_014915.3(ANKRD26):c.-126T>C

Gene: ANKRD26 (ankyrin repeat domain 26; minus strand). Cytogenetic location: 10p12.1.
Variant type: single nucleotide variant.
Coding change: c.-126T>C on transcript NM_014915.3 (MANE Select); 126 bases upstream of the start codon, T replaced by C.
Molecular consequence: 5 prime UTR variant.
Genome position (GRCh38, 1-based): chr10:27,100,452, A>G on the plus strand (T>C on the coding strand, the complement: ANKRD26 is on the minus strand). VCF-style: chr10-27100452-A-G. GRCh37 (hg19) VCF-style: chr10-27389381-A-G.
Other names: p.?; c.-126T>C (NM_001256053.2).
Identifiers: ClinVar variation 626941 (VCV000626941.15), dbSNP rs1589393792, ClinGen allele CA913185988.
Genomic context (GRCh38, chr10:27,100,452, plus strand): 5'-CAACATAACAAGTCAGCCCCGGCTGGCCGCAGCCTCCCAAAGGAAACTCCGCGGTTTCCA[A>G]TCTCTCCCTCCGGGTTACCAAGCAAGCGATCCCGCTAGACACAAGTGCGCATGCGCACCT-3'